The following is an entry in ClinVar:

NM_020975.6(RET):c.1523-12T>G

Gene: RET (ret proto-oncogene; plus strand). Cytogenetic location: 10q11.21.
Variant type: single nucleotide variant.
Coding change: c.1523-12T>G on transcript NM_020975.6 (MANE Select); 12 bases into the intron before coding-DNA position 1523, T replaced by G.
Molecular consequence: intron variant.
Genome position (GRCh38, 1-based): chr10:43,112,087, T>G. VCF-style: chr10-43112087-T-G. GRCh37 (hg19) VCF-style: chr10-43607535-T-G.
Other names: c.1523-12T>G (NM_020630.7, NM_001406743.1, NM_001406744.1 and 4 more transcripts); c.1127-12T>G (NM_001406772.1, NM_001406769.1); c.1085-12T>G (NM_001406773.1, NM_001406771.1); c.626-12T>G (NM_001406782.1, NM_001406780.1, NM_001406779.1 and 3 more transcripts); c.1394-12T>G (NM_001406764.1, NM_001406762.1, NM_001406761.1 and 1 more transcripts); c.998-12T>G (NM_001406774.1); c.497-12T>G (NM_001406786.1, NM_001406783.1); c.1235-12T>G (NM_001406770.1, NM_001406766.1, NM_001406767.1); and 5 more.
Identifiers: ClinVar variation 518009 (VCV000518009.6), dbSNP rs1429462039, ClinGen allele CA658797416.

ClinVar aggregate classification (germline): Conflicting classifications of pathogenicity. Review status: criteria provided, conflicting classifications (1 of 4 stars). 3 submissions from 3 submitters: Uncertain significance (1); Likely benign (2). Last evaluated 2025-02-09.

Conditions:
Multiple endocrine neoplasia, type 2 (MEN2). Identifiers: Orphanet 653, MedGen C4048306, MONDO:0019003. Disease mechanism: gain of function.

Submissions (3):

Labcorp Genetics (formerly Invitae), Labcorp
Classification: Likely benign for Multiple endocrine neoplasia, type 2. Last evaluated: 2025-02-09. Review status: criteria provided, single submitter. Criteria: Invitae Variant Classification Sherloc (09022015). Collection method: clinical testing. Allele origin: germline.

All of Us Research Program, National Institutes of Health
Classification: Uncertain significance for Multiple endocrine neoplasia, type 2. Last evaluated: 2023-11-02. Review status: criteria provided, single submitter. Criteria: ACMG Guidelines, 2015. Collection method: clinical testing. Allele origin: germline. Inheritance: Autosomal dominant inheritance. Observed: 1 variant allele, 1 heterozygote.
Comment: This variant causes a T to G nucleotide substitution at the -12 position of intron 7 of the RET gene. To our knowledge, functional studies have not been reported for this variant. This variant has not been reported in individuals affected with RET-related disorders in the literature. This variant has not been identified in the general population by the Genome Aggregation Database (gnomAD). The available evidence is insufficient to determine the role of this variant in disease conclusively. Therefore, this variant is classified as a Variant of Uncertain Significance.

This study involves interpretation of variants in research participants for the purpose of population health screening. Participant phenotype was not available at the time of variant classification. Additional details can be found in publication PMID: 35346344, PMCID: PMC8962531

GeneDx
Classification: Likely benign. Last evaluated: 2017-06-09. Review status: criteria provided, single submitter. Criteria: GeneDx Variant Classification (06012015). Collection method: clinical testing. Allele origin: germline. Affected: yes.
Comment: This variant is considered likely benign or benign based on one or more of the following criteria: it is a conservative change, it occurs at a poorly conserved position in the protein, it is predicted to be benign by multiple in silico algorithms, and/or has population frequency not consistent with disease.